The following is an entry in ClinVar:

ClinVar aggregate classification (germline): Conflicting classifications of pathogenicity. Review status: criteria provided, conflicting classifications (1 of 4 stars). 3 submissions from 3 submitters: Uncertain significance (1); Likely benign (1). 1 of the submissions does not count toward it. Last evaluated 2026-01-20.

Conditions:
DNAH8-related disorder. Also called: DNAH8-related condition.
Primary ciliary dyskinesia. Also called: Ciliary dyskinesia. Identifiers: Orphanet 244, MedGen C0008780, MONDO:0016575, HP:0012265.

Allele frequency attached by ClinVar (database versions not stated): gnomAD exomes 0.00020 and 0.00038; ExAC 0.00022; gnomAD 0.00026 and 0.00027; ESP Exome Variant Server 0.00031; TOPMed 0.00031.
gnomAD v4.1: 364 of 1,613,088 alleles (0.023%); highest among the groups gnomAD compares: Middle Eastern, 0.036%; 2 homozygotes.

Submissions (3):

Labcorp Genetics (formerly Invitae), Labcorp
Classification: Likely benign for Primary ciliary dyskinesia. Last evaluated: 2026-01-20. Review status: criteria provided, single submitter. Criteria: Invitae Variant Classification Sherloc (09022015). Collection method: clinical testing. Allele origin: germline.

Ambry Genetics
Classification: Uncertain significance. Last evaluated: 2021-10-26. Review status: criteria provided, single submitter. Criteria: Ambry Variant Classification Scheme 2023. Collection method: clinical testing. Allele origin: germline.

PreventionGenetics, part of Exact Sciences
Classification: Likely benign for DNAH8-related condition. Last evaluated: 2021-04-22. Review status: no assertion criteria provided. Collection method: clinical testing. Allele origin: germline. Not counted in ClinVar's aggregate classification.
Comment: This variant is classified as likely benign based on ACMG/AMP sequence variant interpretation guidelines (Richards et al. 2015 PMID: 25741868, with internal and published modifications).

NM_001206927.2(DNAH8):c.737C>T (p.Ala246Val)

Gene: DNAH8 (dynein axonemal heavy chain 8; plus strand). Cytogenetic location: 6p21.2.
Variant type: single nucleotide variant.
Coding change: c.737C>T on transcript NM_001206927.2 (MANE Select); coding-DNA position 737, C replaced by T.
Protein change: p.Ala246Val; replaces alanine 246 with valine.
Molecular consequence: missense variant.
Genome position (GRCh38, 1-based): chr6:38,734,600, C>T. VCF-style: chr6-38734600-C-T. GRCh37 (hg19) VCF-style: chr6-38702376-C-T.
Other names: c.86C>T, p.Ala29Val (NM_001371.4); short protein forms A246V, A29V.
Identifiers: ClinVar variation 696713 (VCV000696713.14), dbSNP rs146560083, ClinGen allele CA3788028.